The following is an entry in ClinVar:

ClinVar aggregate classification (germline): Conflicting classifications of pathogenicity. Review status: criteria provided, conflicting classifications (1 of 4 stars). 6 submissions from 6 submitters: Uncertain significance (1); Benign (1); Likely benign (3). 1 of the submissions does not count toward it. Last evaluated 2026-01-25.

Conditions:
Retinal dystrophy. Also called: Inherited retinal dystrophy. Identifiers: Orphanet 71862, MedGen C0854723, MeSH D058499, MONDO:0019118, HP:0000556.
Jeune thoracic dystrophy. Also called: Infantile thoracic dystrophy; Thoracic pelvic phalangeal dystrophy; Jeune's syndrome; Chondroectodermal dysplasia-like syndrome; Short-rib thoracic dysplasia; Jeune syndrome. Identifiers: Orphanet 474, MedGen C0265275, MONDO:0018770.
Asphyxiating thoracic dystrophy 3. Also called: SHORT-RIB THORACIC DYSPLASIA 3 WITH OR WITHOUT POLYDACTYLY; POLYDACTYLY WITH NEONATAL CHONDRODYSTROPHY, TYPE I; SHORT-RIB THORACIC DYSPLASIA 3/6 WITH POLYDACTYLY, DIGENIC; Short rib polydactyly syndrome 2B; Saldino-Noonan Syndrome. Identifiers: Orphanet 474, Orphanet 93269, Orphanet 93270, Orphanet 93271, MedGen C0036069, MONDO:0013127, OMIM 613091.

Allele frequency attached by ClinVar (database versions not stated): gnomAD exomes 0.00034 and 0.00068; gnomAD 0.00048 and 0.00050; TOPMed 0.00053; ESP Exome Variant Server 0.00077; ExAC 0.00080.
gnomAD v4.1: 622 of 1,606,582 alleles (0.039%); highest among the groups gnomAD compares: Middle Eastern, 0.099%; 1 homozygote.

Submissions (6):

Labcorp Genetics (formerly Invitae), Labcorp
Classification: Benign for Jeune thoracic dystrophy. Last evaluated: 2026-01-25. Review status: criteria provided, single submitter. Criteria: Invitae Variant Classification Sherloc (09022015). Collection method: clinical testing. Allele origin: germline.

Mayo Clinic Laboratories, Mayo Clinic
Classification: Likely benign. Last evaluated: 2025-09-13. Review status: criteria provided, single submitter. Criteria: ACMG Guidelines, 2015. Collection method: clinical testing. Allele origin: germline. Observed: 2 variant alleles.
Comment: BS1, BP4

Blueprint Genetics
Classification: Likely benign. Last evaluated: 2024-11-22. Review status: criteria provided, single submitter. Criteria: ACMG Guidelines, 2015. Collection method: clinical testing. Allele origin: germline.

GeneDx
Classification: Likely benign. Last evaluated: 2020-03-04. Review status: criteria provided, single submitter. Criteria: GeneDx Variant Classification Process June 2021. Collection method: clinical testing. Allele origin: germline. Affected: yes.

Illumina Laboratory Services, Illumina
Classification: Uncertain significance for Asphyxiating thoracic dystrophy 3. Last evaluated: 2018-01-13. Review status: criteria provided, single submitter. Criteria: ICSL Variant Classification Criteria 13 December 2019. Collection method: clinical testing. Allele origin: germline.

Institute of Human Genetics, Univ. Regensburg, Univ. Regensburg
Classification: Uncertain significance for Retinal dystrophy. Last evaluated: 2023-01-01. Review status: no assertion criteria provided. Criteria: ACMG Guidelines, 2015. Collection method: clinical testing. Allele origin: germline. Affected: yes. Not counted in ClinVar's aggregate classification.

NM_001377.3(DYNC2H1):c.9865G>C (p.Glu3289Gln)

Gene: DYNC2H1 (dynein cytoplasmic 2 heavy chain 1; plus strand). Cytogenetic location: 11q22.3.
Variant type: single nucleotide variant.
Coding change: c.9865G>C on transcript NM_001377.3 (MANE Select); coding-DNA position 9865, G replaced by C.
Protein change: p.Glu3289Gln; replaces glutamic acid 3289 with glutamine.
Molecular consequence: missense variant.
Genome position (GRCh38, 1-based): chr11:103,243,738, G>C. VCF-style: chr11-103243738-G-C. GRCh37 (hg19) VCF-style: chr11-103114467-G-C.
Other names: p.Glu3296Gln; c.9886G>C, p.Glu3296Gln (NM_001080463.2); short protein forms E3296Q, E3289Q.
Identifiers: ClinVar variation 302083 (VCV000302083.58), dbSNP rs200326353, ClinGen allele CA6254816.